The following is an entry in ClinVar:

NC_000013.11:g.(?_108208513)_(108211288_?)del

Gene: LIG4 (DNA ligase 4; minus strand). Cytogenetic location: 13q33.3.
Variant type: Deletion.
Identifiers: ClinVar variation 665646 (VCV000665646.1).

ClinVar aggregate classification (germline): Pathogenic (1 of 4 stars; one submission).

Conditions:
DNA ligase IV deficiency. Identifiers: Orphanet 99812, MedGen C1847827, MONDO:0011686, OMIM 606593.

Submission:

Labcorp Genetics (formerly Invitae), Labcorp
Classification: Pathogenic for Lig4 syndrome. Last evaluated: 2018-08-27. Review status: criteria provided, single submitter. Criteria: Invitae Variant Classification Sherloc (09022015). Collection method: clinical testing. Allele origin: germline.
Comment: A gross deletion of the genomic region encompassing the full coding sequence of the LIG4 gene has been identified. The boundaries of this event are unknown as the deletion extends beyond the assayed region for this gene and therefore may encompass additional genes. This variant has not been reported in the literature in individuals with LIG4-related disease. Loss-of-function variants in LIG4 are known to be pathogenic (PMID: 21664875). For these reasons, this variant has been classified as Pathogenic.